The following is an entry in ClinVar:

NM_017827.4(SARS2):c.1160+4T>C

Gene: SARS2 (seryl-tRNA synthetase 2, mitochondrial; minus strand). Cytogenetic location: 19q13.2.
Variant type: single nucleotide variant.
Coding change: c.1160+4T>C on transcript NM_017827.4 (MANE Select); 4 bases into the intron after coding-DNA position 1160, T replaced by C.
Molecular consequence: intron variant.
Genome position (GRCh38, 1-based): chr19:38,917,720, A>G on the plus strand (T>C on the coding strand, the complement: SARS2 is on the minus strand). VCF-style: chr19-38917720-A-G. GRCh37 (hg19) VCF-style: chr19-39408360-A-G.
Other names: c.1166+4T>C (NM_001145901.2).
Identifiers: ClinVar variation 329212 (VCV000329212.21), dbSNP rs7508411, ClinGen allele CA9422869.

ClinVar aggregate classification (germline): Benign. Review status: criteria provided, multiple submitters, no conflicts (2 of 4 stars). 6 submissions from 6 submitters: Benign (5). 1 of the submissions does not count toward it. Last evaluated 2026-02-04.

Conditions:
Hyperuricemia, pulmonary hypertension, renal failure, alkalosis syndrome (HUPRAS). Also called: HUPRA SYNDROME; HYPERURICEMIA, PULMONARY HYPERTENSION, RENAL FAILURE, AND ALKALOSIS SYNDROME. Identifiers: Orphanet 363694, MedGen C3151209, MONDO:0013458, OMIM 613845.

Allele frequency attached by ClinVar (database versions not stated): gnomAD exomes 0.65530; ESP Exome Variant Server 0.70521; ExAC 0.70661; gnomAD 0.73282 and 0.73590; TOPMed 0.74340; 1000 Genomes Project 30x 0.83214; 1000 Genomes Project 0.83466.
gnomAD v4.1: 1,041,236 of 1,567,934 alleles (66%); highest among the groups gnomAD compares: East Asian, 97%; 347,783 homozygotes.

Submissions (6):

Labcorp Genetics (formerly Invitae), Labcorp
Classification: Benign. Last evaluated: 2026-02-04. Review status: criteria provided, single submitter. Criteria: Invitae Variant Classification Sherloc (09022015). Collection method: clinical testing. Allele origin: germline.

Genome-Nilou Lab
Classification: Benign for Hyperuricemia, pulmonary hypertension, renal failure, alkalosis syndrome. Last evaluated: 2021-11-07. Review status: criteria provided, single submitter. Criteria: ACMG Guidelines, 2015. Collection method: clinical testing. Allele origin: germline. Affected: no.

Illumina Laboratory Services, Illumina
Classification: Benign for Hyperuricemia, pulmonary hypertension, renal failure, alkalosis syndrome. Last evaluated: 2018-01-12. Review status: criteria provided, single submitter. Criteria: ICSL Variant Classification Criteria 13 December 2019. Collection method: clinical testing. Allele origin: germline.
Comment: This variant was observed in the ICSL laboratory as part of a predisposition screen in an ostensibly healthy population. It had not been previously curated by ICSL or reported in the Human Gene Mutation Database (HGMD: prior to June 1st, 2018), and was therefore a candidate for classification through an automated scoring system. Utilizing variant allele frequency, disease prevalence and penetrance estimates, and inheritance mode, an automated score was calculated to assess if this variant is too frequent to cause the disease. Based on the score and internal cut-off values, a variant classified as benign is not then subjected to further curation. The score for this variant resulted in a classification of benign for this disease.

GeneDx
Classification: Benign. Last evaluated: 2015-03-03. Review status: criteria provided, single submitter. Criteria: GeneDx Variant Classification Process June 2021. Collection method: clinical testing. Allele origin: germline. Affected: yes.

Breakthrough Genomics
Classification: Benign. Review status: criteria provided, single submitter. Criteria: ACMG Guidelines, 2015. Collection method: not provided. Allele origin: germline. Inheritance: Autosomal recessive inheritance. Affected: yes.

Mayo Clinic Laboratories, Mayo Clinic
Classification: Benign. Last evaluated: 2016-02-19. Review status: no assertion criteria provided. Collection method: clinical testing. Allele origin: unknown. Not counted in ClinVar's aggregate classification.